The following is an entry in ClinVar:

NM_033026.6(PCLO):c.6163G>A (p.Glu2055Lys)

Gene: PCLO (piccolo presynaptic cytomatrix protein; minus strand). Cytogenetic location: 7q21.11.
Variant type: single nucleotide variant.
Coding change: c.6163G>A on transcript NM_033026.6 (MANE Select); coding-DNA position 6163, G replaced by A.
Protein change: p.Glu2055Lys; replaces glutamic acid 2055 with lysine.
Molecular consequence: missense variant.
Genome position (GRCh38, 1-based): chr7:82,954,790, C>T on the plus strand (G>A on the coding strand, the complement: PCLO is on the minus strand). VCF-style: chr7-82954790-C-T. GRCh37 (hg19) VCF-style: chr7-82584106-C-T.
Other names: c.6163G>A, p.Glu2055Lys (NM_014510.3); short protein forms E2055K.
Identifiers: ClinVar variation 2800440 (VCV002800440.3), dbSNP rs891407412, ClinGen allele CA161147772.

ClinVar aggregate classification (germline): Uncertain significance (1 of 4 stars; one submission).

Allele frequency attached by ClinVar (database versions not stated): gnomAD exomes below 0.00001; gnomAD 0.00001; TOPMed 0.00001.
gnomAD v4.1: 2 of 1,613,674 alleles (0.00012%); highest among the groups gnomAD compares: African/African-American, 0.0013%; no homozygotes.

Submission:

Labcorp Genetics (formerly Invitae), Labcorp
Classification: Uncertain significance. Last evaluated: 2023-07-20. Review status: criteria provided, single submitter. Criteria: Invitae Variant Classification Sherloc (09022015). Collection method: clinical testing. Allele origin: germline.
Comment: In summary, the available evidence is currently insufficient to determine the role of this variant in disease. Therefore, it has been classified as a Variant of Uncertain Significance. Experimental studies and prediction algorithms are not available or were not evaluated, and the functional significance of this variant is currently unknown. This sequence change replaces glutamic acid, which is acidic and polar, with lysine, which is basic and polar, at codon 2055 of the PCLO protein (p.Glu2055Lys). This variant is not present in population databases (gnomAD no frequency). This variant has not been reported in the literature in individuals affected with PCLO-related conditions.